The following is an entry in ClinVar:

NM_004544.4(NDUFA10):c.694G>C (p.Ala232Pro)

Gene: NDUFA10 (NADH:ubiquinone oxidoreductase subunit A10; minus strand). Cytogenetic location: 2q37.3.
Variant type: single nucleotide variant.
Coding change: c.694G>C on transcript NM_004544.4 (MANE Select); coding-DNA position 694, G replaced by C.
Protein change: p.Ala232Pro; replaces alanine 232 with proline.
Molecular consequence: missense variant. On other transcripts: non-coding transcript variant (4).
Genome position (GRCh38, 1-based): chr2:240,011,672, C>G on the plus strand (G>C on the coding strand, the complement: NDUFA10 is on the minus strand). VCF-style: chr2-240011672-C-G. GRCh37 (hg19) VCF-style: chr2-240951089-C-G.
Other names: c.694G>C (NM_004544.3); c.694G>C, p.Ala232Pro (NM_001322019.2, NM_001322020.2); short protein forms A232P.
Identifiers: ClinVar variation 1358604 (VCV001358604.6), dbSNP rs112412356, ClinGen allele CA68059783.

ClinVar aggregate classification (germline): Uncertain significance. Review status: criteria provided, multiple submitters, no conflicts (2 of 4 stars). 2 submissions from 2 submitters: Uncertain significance (2). Last evaluated 2025-04-14.

Conditions:
Inborn genetic diseases. Identifiers: MedGen C0950123, MeSH D030342.

Allele frequency attached by ClinVar (database versions not stated): gnomAD exomes 0.00001; TOPMed 0.00001.
gnomAD v4.1: 21 of 1,613,406 alleles (0.0013%); highest among the groups gnomAD compares: African/African-American, 0.013%; no homozygotes.

Submissions (2):

Ambry Genetics
Classification: Uncertain significance for Inborn genetic diseases. Last evaluated: 2025-04-14. Review status: criteria provided, single submitter. Criteria: Ambry Variant Classification Scheme 2023. Collection method: clinical testing. Allele origin: germline.

Labcorp Genetics (formerly Invitae), Labcorp
Classification: Uncertain significance. Last evaluated: 2024-12-02. Review status: criteria provided, single submitter. Criteria: Invitae Variant Classification Sherloc (09022015). Collection method: clinical testing. Allele origin: germline.
Comment: This sequence change replaces alanine, which is neutral and non-polar, with proline, which is neutral and non-polar, at codon 232 of the NDUFA10 protein (p.Ala232Pro). This variant is not present in population databases (gnomAD no frequency). This variant has not been reported in the literature in individuals affected with NDUFA10-related conditions. ClinVar contains an entry for this variant (Variation ID: 1358604). Invitae Evidence Modeling of protein sequence and biophysical properties (such as structural, functional, and spatial information, amino acid conservation, physicochemical variation, residue mobility, and thermodynamic stability) indicates that this missense variant is not expected to disrupt NDUFA10 protein function with a negative predictive value of 80%. Algorithms developed to predict the effect of sequence changes on RNA splicing suggest that this variant may disrupt the consensus splice site. In summary, the available evidence is currently insufficient to determine the role of this variant in disease. Therefore, it has been classified as a Variant of Uncertain Significance.